The following is an entry in ClinVar:

NM_001111125.3(IQSEC2):c.2794A>G (p.Ile932Val)

Gene: IQSEC2 (IQ motif and Sec7 domain ArfGEF 2; minus strand). Cytogenetic location: Xp11.22.
Variant type: single nucleotide variant.
Coding change: c.2794A>G on transcript NM_001111125.3 (MANE Select); coding-DNA position 2794, A replaced by G.
Protein change: p.Ile932Val; replaces isoleucine 932 with valine.
Molecular consequence: missense variant.
Genome position (GRCh38, 1-based): chrX:53,243,427, T>C on the plus strand (A>G on the coding strand, the complement: IQSEC2 is on the minus strand). VCF-style: chrX-53243427-T-C. GRCh37 (hg19) VCF-style: chrX-53272609-T-C.
Other names: c.2794A>G (NM_001111125.1); c.2794A>G, p.Ile932Val (NM_001410736.1); c.2179A>G, p.Ile727Val (NM_015075.2); short protein forms I727V, I932V.
Identifiers: ClinVar variation 1717520 (VCV001717520.7), dbSNP rs2519746281, ClinGen allele CA413154088.

ClinVar aggregate classification (germline): Uncertain significance. Review status: criteria provided, multiple submitters, no conflicts (2 of 4 stars). 2 submissions from 2 submitters: Uncertain significance (2). Last evaluated 2024-07-08.

Conditions:
Intellectual developmental disorder, X-linked 1. Also called: MENTAL RETARDATION, X-LINKED 18; MENTAL RETARDATION, X-LINKED 78; Intellectual disability, X-linked 1; Atkin Flaitz Patil Smith syndrome. Identifiers: Orphanet 777, MedGen C2931498, MONDO:0010656, OMIM 309530.

Submissions (2):

GeneDx
Classification: Uncertain significance. Last evaluated: 2024-07-08. Review status: criteria provided, single submitter. Criteria: GeneDx Variant Classification Process June 2021. Collection method: clinical testing. Allele origin: germline. Affected: yes.
Comment: Not observed at significant frequency in large population cohorts (gnomAD); In silico analysis indicates that this missense variant does not alter protein structure/function; Has not been previously published as pathogenic or benign to our knowledge; This variant is associated with the following publications: (PMID: 20473311)

Labcorp Genetics (formerly Invitae), Labcorp
Classification: Uncertain significance for Intellectual developmental disorder, X-linked 1. Last evaluated: 2023-02-02. Review status: criteria provided, single submitter. Criteria: Invitae Variant Classification Sherloc (09022015). Collection method: clinical testing. Allele origin: germline.
Comment: This sequence change replaces isoleucine, which is neutral and non-polar, with valine, which is neutral and non-polar, at codon 932 of the IQSEC2 protein (p.Ile932Val). This variant is not present in population databases (gnomAD no frequency). This variant has not been reported in the literature in individuals affected with IQSEC2-related conditions. ClinVar contains an entry for this variant (Variation ID: 1717520). Advanced modeling of protein sequence and biophysical properties (such as structural, functional, and spatial information, amino acid conservation, physicochemical variation, residue mobility, and thermodynamic stability) performed at Invitae indicates that this missense variant is not expected to disrupt IQSEC2 protein function. In summary, the available evidence is currently insufficient to determine the role of this variant in disease. Therefore, it has been classified as a Variant of Uncertain Significance.